The following is an entry in ClinVar:

ClinVar aggregate classification (germline): Pathogenic (1 of 4 stars; one submission).

Conditions:
Nemaline myopathy 2 (NEM2). Also called: Nemaline myopathy 2, autosomal recessive. Identifiers: MedGen C1850569, MONDO:0009725, OMIM 256030.

Submission:

Myriad Genetics, Inc.
Classification: Pathogenic for Nemaline myopathy 2. Last evaluated: 2023-08-19. Review status: criteria provided, single submitter. Criteria: Myriad Autosomal Dominant, Autosomal Recessive and X-Linked Classification Criteria (2023). Collection method: clinical testing. Allele origin: unknown.
Comment: NM_001271208.1(NEB):c.23423_23426delCCCA(A7808Dfs*70) is expected to be pathogenic in the context of NEB-related nemaline myopathy. This variant is predicted to lead to an abnormal or absent protein product due to the creation of a premature termination codon in NEB, a gene where loss-of-function variants are known to be pathogenic. Please note: this variant was assessed in the context of healthy population screening.

NM_001164508.2(NEB):c.23318_23321del (p.Ala7773fs)

Genes: NEB (nebulin; minus strand), RIF1 (replication timing regulatory factor 1; plus strand). Cytogenetic location: 2q23.3.
Variant type: Deletion.
Coding change: c.23318_23321del on transcript NM_001164508.2 (MANE Select); coding-DNA positions 23318 to 23321, 4 bases deleted (CCCA; older notation c.23318_23321delCCCA).
Protein change: p.Ala7773fs; shifts the reading frame from alanine 7773.
Molecular consequence: frameshift variant.
Genome position (GRCh38, 1-based): chr2:151,512,758-151,512,761, TGGG deleted on the plus strand (CCCA on the coding strand, the reverse complement: NEB is on the minus strand). VCF-style (leftmost placement, unchanged base first): chr2-151512757-TTGGG-T. GRCh37 (hg19) VCF-style: chr2-152369271-TTGGG-T.
Other names: c.23318_23321del, p.Ala7773fs (NM_001164507.2); c.23423_23426del, p.Ala7808fs (NM_001271208.2); c.18215_18218del, p.Ala6072fs (NM_004543.5); short protein forms A6072fs, A7773fs, A7808fs.
Identifiers: ClinVar variation 5011392 (VCV005011392.1).
Genomic context (GRCh38, chr2:151,512,757, plus strand): 5'-GGGGTTTATGAGTGATGGCATGACGAATGTCCTTACCTGGCTTGAAAGATTCTTGACTTG[TTGGG>T]CATGAATGATCTCTGGAGTATCAACCACAGAAGTGAAATTGGCTTTCTCCATTTCTGCTG-3'